The following is an entry in ClinVar:

ClinVar aggregate classification (germline): Uncertain significance (1 of 4 stars; one submission).

Conditions:
Myopathy with tubular aggregates (TAM). Also called: Tubular Aggregate Myopathy. Identifiers: Orphanet 2593, MedGen C0410207, MONDO:0008051.
Stormorken syndrome (STRMK). Also called: THROMBOCYTOPATHY, ASPLENIA, AND MIOSIS. Identifiers: Orphanet 3204, MedGen C1861451, MONDO:0008497, OMIM 185070.
Combined immunodeficiency due to STIM1 deficiency. Also called: IMMUNODEFICIENCY 10; STIM1 DEFICIENCY. Identifiers: Orphanet 169090, Orphanet 317430, MedGen C2748557, MONDO:0013008, OMIM 612783.

Submission:

Labcorp Genetics (formerly Invitae), Labcorp
Classification: Uncertain significance for Myopathy with tubular aggregates; Immune dysfunction with T-cell inactivation due to calcium entry defect 2; Stormorken syndrome. Last evaluated: 2019-09-06. Review status: criteria provided, single submitter. Criteria: Invitae Variant Classification Sherloc (09022015). Collection method: clinical testing. Allele origin: germline.
Comment: This variant results in a copy number gain of the genomic region encompassing exon 1 of the STIM1 gene, which includes the initiator codon. The 5' end of this event is unknown as it extends beyond the assayed region for this gene and therefore may encompass additional genes. The 3' boundary is likely confined to intron 1 of the STIM1 gene. As the precise location of this event is unknown, it may be in tandem or it may be located elsewhere in the genome. This variant has not been reported in the literature in individuals with STIM1-related conditions. In summary, the available evidence is currently insufficient to determine the role of this variant in disease. Therefore, it has been classified as a Variant of Uncertain Significance.

NC_000011.10:g.(?_3856251)_(3856429_?)dup

Gene: STIM1 (stromal interaction molecule 1; plus strand). Cytogenetic location: 11p15.4.
Variant type: Duplication.
Identifiers: ClinVar variation 833057 (VCV000833057.1).